The following is an entry in ClinVar:

ClinVar aggregate classification (germline): Uncertain significance. Review status: criteria provided, multiple submitters, no conflicts (2 of 4 stars). 2 submissions from 2 submitters: Uncertain significance (2). Last evaluated 2026-05-26.

Conditions:
F11-related disorder. Also called: F11-related condition.
Inborn genetic diseases. Identifiers: MedGen C0950123, MeSH D030342.

Allele frequency attached by ClinVar (database versions not stated): gnomAD exomes below 0.00001; gnomAD 0.00001.
gnomAD v4.1: 6 of 1,614,034 alleles (0.00037%); highest among the groups gnomAD compares: South Asian, 0.0044%; no homozygotes.

Submissions (2):

PreventionGenetics, part of Exact Sciences
Classification: Uncertain significance for F11-related condition. Last evaluated: 2026-05-26. Review status: criteria provided, single submitter. Criteria: ACMG Guidelines, 2015. Collection method: clinical testing. Allele origin: germline.
Comment: The F11 c.1009G>A variant is predicted to result in the amino acid substitution p.Ala337Thr. To our knowledge, this variant has not been reported in the literature or in a large population database (gnomAD), indicating this variant is rare. At this time, the clinical significance of this variant is uncertain due to the absence of conclusive functional and genetic evidence.

Ambry Genetics
Classification: Uncertain significance for Inborn genetic diseases. Last evaluated: 2023-12-19. Review status: criteria provided, single submitter. Criteria: Ambry Variant Classification Scheme 2023. Collection method: clinical testing. Allele origin: germline.

NM_000128.4(F11):c.1009G>A (p.Ala337Thr)

Gene: F11 (coagulation factor XI; plus strand). Cytogenetic location: 4q35.2.
Variant type: single nucleotide variant.
Coding change: c.1009G>A on transcript NM_000128.4 (MANE Select); coding-DNA position 1009, G replaced by A.
Protein change: p.Ala337Thr; replaces alanine 337 with threonine.
Molecular consequence: missense variant.
Genome position (GRCh38, 1-based): chr4:186,280,366, G>A. VCF-style: chr4-186280366-G-A. GRCh37 (hg19) VCF-style: chr4-187201520-G-A.
Other names: short protein forms A337T.
Identifiers: ClinVar variation 3091385 (VCV003091385.2), dbSNP rs1039926676, ClinGen allele CA112099653.